The following is an entry in ClinVar:

ClinVar aggregate classification (germline): Pathogenic/Likely pathogenic. Review status: criteria provided, multiple submitters, no conflicts (2 of 4 stars). 5 submissions from 5 submitters: Pathogenic (1); Likely pathogenic (3). 1 of the submissions does not count toward it. Last evaluated 2025-09-02.

Conditions:
Metachromatic leukodystrophy (MLD). Also called: ARSA DEFICIENCY; CEREBROSIDE SULFATASE DEFICIENCY; Cerebral sclerosis diffuse metachromatic form; Arylsulfatase A Deficiency; METACHROMATIC LEUKOENCEPHALOPATHY; SULFATIDE LIPIDOSIS. Identifiers: Orphanet 512, MedGen C0023522, MONDO:0018868, OMIM 250100.

Allele frequency attached by ClinVar (database versions not stated): TOPMed below 0.00001; gnomAD 0.00001 and 0.00002; gnomAD exomes 0.00004 and 0.00006; ExAC 0.00006; 1000 Genomes Project 30x 0.00016; 1000 Genomes Project 0.00020.
gnomAD v4.1: 55 of 1,612,942 alleles (0.0034%); highest among the groups gnomAD compares: South Asian, 0.04%; no homozygotes.

Submissions (5):

Natera, Inc.
Classification: Likely pathogenic for Metachromatic leukodystrophy. Last evaluated: 2025-09-02. Review status: criteria provided, single submitter. Criteria: Natera Variant Classification Schema (03/2026). Collection method: clinical testing. Allele origin: germline.
Comment: The c.674A>G variant in ARSA is a missense variant predicted to cause substitution of tyrosine to cysteine at amino acid 225. This variant is rare in the general population with a frequency below the threshold expected for the associated phenotype(s). This variant has been observed in one or more individuals affected with the associated recessive disease, as either homozygous or compound heterozygous with a second variant (PMID: 28762252). Functional studies show that this variant may disrupt protein function (PMID: 28762252). Computational prediction algorithms indicate this variant is likely to affect gene or protein function. Given the available evidence, this variant is classified as Likely Pathogenic.

Women's Health and Genetics/Laboratory Corporation of America, LabCorp
Classification: Likely pathogenic for Metachromatic leukodystrophy. Last evaluated: 2025-02-21. Review status: criteria provided, single submitter. Criteria: LabCorp Variant Classification Summary - May 2015. Collection method: clinical testing. Allele origin: germline.
Comment: Variant summary: ARSA c.674A>G (p.Tyr225Cys) results in a non-conservative amino acid change located in the N-terminal domain (IPR000917) of the encoded protein sequence. Four of four in-silico tools predict a damaging effect of the variant on protein function. The variant allele was found at a frequency of 6.4e-05 in 250758 control chromosomes (gnomAD). This frequency is not higher than the maximum estimated for a pathogenic variant in ARSA causing Metachromatic Leukodystrophy (0.0028), allowing no conclusion about variant significance. The variant, c.674A>G, has been reported in the literature in individuals affected with Metachromatic Leukodystrophy (e.g. Bohringer_2017, Santhanakumaran_2022). These data indicate that the variant may be associated with disease. Publications also reported experimental evidence evaluating an impact on protein function, and demonstrated that the variant results in <10% of normal activity in in vitro expression system, and in patient derived cells (e.g. Bohringer_2017, Santhanakumaran_2022). The following publications have been ascertained in the context of this evaluation (PMID: 28762252, 36240581). ClinVar contains an entry for this variant (Variation ID: 431088). Based on the evidence outlined above, the variant was classified as likely pathogenic.

Labcorp Genetics (formerly Invitae), Labcorp
Classification: Likely pathogenic for Metachromatic leukodystrophy. Last evaluated: 2024-11-05. Review status: criteria provided, single submitter. Criteria: Invitae Variant Classification Sherloc (09022015). Collection method: clinical testing. Allele origin: germline.
Comment: This sequence change replaces tyrosine, which is neutral and polar, with cysteine, which is neutral and slightly polar, at codon 225 of the ARSA protein (p.Tyr225Cys). This variant is present in population databases (rs527640350, gnomAD 0.05%). This missense change has been observed in individual(s) with metachromatic leukodystrophy (PMID: 28762252). ClinVar contains an entry for this variant (Variation ID: 431088). Invitae Evidence Modeling of protein sequence and biophysical properties (such as structural, functional, and spatial information, amino acid conservation, physicochemical variation, residue mobility, and thermodynamic stability) indicates that this missense variant is expected to disrupt ARSA protein function with a positive predictive value of 95%. Experimental studies have shown that this missense change affects ARSA function (PMID: 28762252). In summary, the currently available evidence indicates that the variant is pathogenic, but additional data are needed to prove that conclusively. Therefore, this variant has been classified as Likely Pathogenic.

Neurometabolisches Labor, University hospital Tuebingen
Classification: Pathogenic for Metachromatic leukodystrophy. Last evaluated: 2017-05-01. Review status: criteria provided, single submitter. Criteria: BÃ¶hringer et al. (Hum Mutat. 2017). Collection method: research. Allele origin: unknown. Affected: yes.

Counsyl
Classification: Uncertain significance for Metachromatic leukodystrophy. Last evaluated: 2017-11-21. Review status: no assertion criteria provided. Collection method: clinical testing. Allele origin: unknown. Not counted in ClinVar's aggregate classification.

Literature cited by the submitters: PubMed 28762252 (cited by 4 submitters); PubMed 36240581 (cited by Women's Health and Genetics/Laboratory Corporation of America, LabCorp).

NM_000487.6(ARSA):c.674A>G (p.Tyr225Cys)

Gene: ARSA (arylsulfatase A; minus strand). Cytogenetic location: 22q13.33.
Variant type: single nucleotide variant.
Coding change: c.674A>G on transcript NM_000487.6 (MANE Select); coding-DNA position 674, A replaced by G.
Protein change: p.Tyr225Cys; replaces tyrosine 225 with cysteine.
Molecular consequence: missense variant.
Genome position (GRCh38, 1-based): chr22:50,626,844, T>C on the plus strand (A>G on the coding strand, the complement: ARSA is on the minus strand). VCF-style: chr22-50626844-T-C. GRCh37 (hg19) VCF-style: chr22-51065272-T-C.
Other names: c.674A>G, p.Tyr225Cys (NM_001085425.3, NM_001085426.3, NM_001085427.3); c.416A>G, p.Tyr139Cys (NM_001085428.3, NM_001362782.2); short protein forms Y225C, Y139C.
Identifiers: ClinVar variation 431088 (VCV000431088.14), dbSNP rs527640350, ClinGen allele CA10324950.